The following is an entry in ClinVar:

ClinVar aggregate classification (germline): Uncertain significance (1 of 4 stars; one submission).

Conditions:
Inborn genetic diseases. Identifiers: MedGen C0950123, MeSH D030342.

gnomAD v4.1: 1 of 1,614,126 alleles (0.000062%); highest among the groups gnomAD compares: South Asian, 0.0011%; no homozygotes.

Submission:

Ambry Genetics
Classification: Uncertain significance for Inborn genetic diseases. Last evaluated: 2026-07-13. Review status: criteria provided, single submitter. Criteria: Ambry Variant Classification Scheme 2023. Collection method: clinical testing. Allele origin: germline.
Comment: The p.C1037R variant (also known as c.3109T>C), located in coding exon 13 of the BMPR2 gene, results from a T to C substitution at nucleotide position 3109. The cysteine at codon 1037 is replaced by arginine, an amino acid with highly dissimilar properties. This amino acid position is conserved. In addition, this alteration is predicted to be deleterious by in silico analysis. Based on the available evidence, the clinical significance of this variant remains unclear.

NM_001204.7(BMPR2):c.3109T>C (p.Cys1037Arg)

Gene: BMPR2 (bone morphogenetic protein receptor type 2; plus strand). Cytogenetic location: 2q33.2.
Variant type: single nucleotide variant.
Coding change: c.3109T>C on transcript NM_001204.7 (MANE Select); coding-DNA position 3109, T replaced by C.
Protein change: p.Cys1037Arg; replaces cysteine 1037 with arginine.
Molecular consequence: missense variant.
Genome position (GRCh38, 1-based): chr2:202,559,938, T>C. VCF-style: chr2-202559938-T-C. GRCh37 (hg19) VCF-style: chr2-203424661-T-C.
Other names: short protein forms C1037R.
Identifiers: ClinVar variation 5033092 (VCV005033092.1).